The following is an entry in ClinVar:

NM_014629.4(ARHGEF10):c.223A>T (p.Thr75Ser)

Gene: ARHGEF10 (Rho guanine nucleotide exchange factor 10; plus strand). Cytogenetic location: 8p23.3.
Variant type: single nucleotide variant.
Coding change: c.223A>T on transcript NM_014629.4 (MANE Select); coding-DNA position 223, A replaced by T.
Protein change: p.Thr75Ser; replaces threonine 75 with serine.
Molecular consequence: missense variant.
Genome position (GRCh38, 1-based): chr8:1,859,926, A>T. VCF-style: chr8-1859926-A-T. GRCh37 (hg19) VCF-style: chr8-1808092-A-T.
Other names: c.223A>T, p.Thr75Ser (NM_001308152.2, NM_001308153.3); short protein forms T75S, T99S.
Identifiers: ClinVar variation 2133449 (VCV002133449.4), dbSNP rs1805953265, ClinGen allele CA369955506.

ClinVar aggregate classification (germline): Uncertain significance (1 of 4 stars; one submission).

Submission:

Labcorp Genetics (formerly Invitae), Labcorp
Classification: Uncertain significance. Last evaluated: 2022-12-06. Review status: criteria provided, single submitter. Criteria: Invitae Variant Classification Sherloc (09022015). Collection method: clinical testing. Allele origin: germline.
Comment: This variant has not been reported in the literature in individuals affected with ARHGEF10-related conditions. This variant is not present in population databases (gnomAD no frequency). This sequence change replaces threonine, which is neutral and polar, with serine, which is neutral and polar, at codon 75 of the ARHGEF10 protein (p.Thr75Ser). Algorithms developed to predict the effect of missense changes on protein structure and function (SIFT, PolyPhen-2, Align-GVGD) all suggest that this variant is likely to be tolerated. In summary, the available evidence is currently insufficient to determine the role of this variant in disease. Therefore, it has been classified as a Variant of Uncertain Significance.